The following is an entry in ClinVar:

NM_001037333.3(CYFIP2):c.3681C>T (p.Ser1227=)

Genes: CYFIP2 (cytoplasmic FMR1 interacting protein 2; plus strand), NIPAL4-DT (NIPAL4 divergent transcript; minus strand). Cytogenetic location: 5q33.3.
Variant type: single nucleotide variant.
Coding change: c.3681C>T on transcript NM_001037333.3 (MANE Select); coding-DNA position 3681, C replaced by T.
Protein change: p.Ser1227=; no amino-acid change (serine 1227 retained).
Molecular consequence: synonymous variant.
Genome position (GRCh38, 1-based): chr5:157,392,919, C>T. VCF-style: chr5-157392919-C-T. GRCh37 (hg19) VCF-style: chr5-156819927-C-T.
Other names: c.3603C>T, p.Ser1201= (NM_001291721.2); c.3756C>T, p.Ser1252= (NM_001291722.2); c.3681C>T, p.Ser1227= (NM_014376.4).
Identifiers: ClinVar variation 1568338 (VCV001568338.39), dbSNP rs771500468, ClinGen allele CA3534426.
Genomic context (GRCh38, chr5:157,392,919, plus strand): 5'-CAGGAAGTATCAGATCTTGAACAATGAGGTTTTTGCCATCCTGAACAAATACATGAAGTC[C>T]GTGGAGACAGACAGTTCCACTGTGGAGCATGTGCGCTGCTTCCAGCCACCCATCCACCAG-3'
Protein context (NP_001032410.1, residues 1217-1237): VFAILNKYMK[Ser1227=]VETDSSTVEH

ClinVar aggregate classification (germline): Benign/Likely benign. Review status: criteria provided, multiple submitters, no conflicts (2 of 4 stars). 2 submissions from 2 submitters: Benign (1); Likely benign (1). Last evaluated 2025-03-25.

Allele frequency attached by ClinVar (database versions not stated): gnomAD 0.00003; TOPMed 0.00003; ExAC 0.00006; gnomAD exomes 0.00009.
gnomAD v4.1: 36 of 1,613,834 alleles (0.0022%); highest among the groups gnomAD compares: East Asian, 0.036%; no homozygotes.

Submissions (2):

Labcorp Genetics (formerly Invitae), Labcorp
Classification: Benign. Last evaluated: 2025-03-25. Review status: criteria provided, single submitter. Criteria: Invitae Variant Classification Sherloc (09022015). Collection method: clinical testing. Allele origin: germline.

CeGaT Center for Human Genetics Tuebingen
Classification: Likely benign. Last evaluated: 2023-01-01. Review status: criteria provided, single submitter. Criteria: CeGaT Center For Human Genetics Tuebingen Variant Classification Criteria Version 2. Collection method: clinical testing. Allele origin: germline. Affected: yes. Observed: 2 variant alleles.
Comment: CYFIP2: BP4, BP7